The following is an entry in ClinVar:

ClinVar aggregate classification (germline): Uncertain significance (1 of 4 stars; one submission).

Submission:

Mayo Clinic Laboratories, Mayo Clinic
Classification: Uncertain significance. Last evaluated: 2025-02-20. Review status: criteria provided, single submitter. Criteria: ACMG Guidelines, 2015. Collection method: clinical testing. Allele origin: germline. Observed: 1 variant allele.
Comment: BP4, PM2_supporting

NM_001129.5(AEBP1):c.145C>G (p.Pro49Ala)

Gene: AEBP1 (AE binding protein 1; plus strand). Cytogenetic location: 7p13.
Variant type: single nucleotide variant.
Coding change: c.145C>G on transcript NM_001129.5 (MANE Select); coding-DNA position 145, C replaced by G.
Protein change: p.Pro49Ala; replaces proline 49 with alanine.
Molecular consequence: missense variant.
Genome position (GRCh38, 1-based): chr7:44,104,810, C>G. VCF-style: chr7-44104810-C-G. GRCh37 (hg19) VCF-style: chr7-44144409-C-G.
Other names: p.Pro49Ala; short protein forms P49A.
Identifiers: ClinVar variation 4541274 (VCV004541274.1).